The following is an entry in ClinVar:

ClinVar aggregate classification (germline): Benign. Review status: criteria provided, multiple submitters, no conflicts (2 of 4 stars). 8 submissions from 8 submitters: Benign (7). 1 of the submissions does not count toward it. Last evaluated 2026-02-04.

Conditions:
Donnai-Barrow syndrome. Also called: DBS/FOAR SYNDROME; FACIOOCULOACOUSTICORENAL SYNDROME. Identifiers: Orphanet 2143, MedGen C1857277, MONDO:0009104, OMIM 222448.

Allele frequency attached by ClinVar (database versions not stated): 1000 Genomes Project 30x 0.03857; 1000 Genomes Project 0.04034; TOPMed 0.05097; ESP Exome Variant Server 0.05536.
gnomAD v4.1: 105,065 of 1,613,654 alleles (6.5%); highest among the groups gnomAD compares: Middle Eastern, 12%; 4,153 homozygotes.

Submissions (8):

Labcorp Genetics (formerly Invitae), Labcorp
Classification: Benign. Last evaluated: 2026-02-04. Review status: criteria provided, single submitter. Criteria: Invitae Variant Classification Sherloc (09022015). Collection method: clinical testing. Allele origin: germline.

Mayo Clinic Laboratories, Mayo Clinic
Classification: Benign. Last evaluated: 2022-11-10. Review status: criteria provided, single submitter. Criteria: ACMG Guidelines, 2015. Collection method: clinical testing. Allele origin: germline. Observed: 11 variant alleles.

Genome-Nilou Lab
Classification: Benign for Donnai-Barrow syndrome. Last evaluated: 2021-07-15. Review status: criteria provided, single submitter. Criteria: ACMG Guidelines, 2015. Collection method: clinical testing. Allele origin: germline. Affected: no.

Illumina Laboratory Services, Illumina
Classification: Benign for Donnai-Barrow syndrome. Last evaluated: 2018-01-13. Review status: criteria provided, single submitter. Criteria: ICSL Variant Classification Criteria 13 December 2019. Collection method: clinical testing. Allele origin: germline.
Comment: This variant was observed in the ICSL laboratory as part of a predisposition screen in an ostensibly healthy population. It had not been previously curated by ICSL or reported in the Human Gene Mutation Database (HGMD: prior to June 1st, 2018), and was therefore a candidate for classification through an automated scoring system. Utilizing variant allele frequency, disease prevalence and penetrance estimates, and inheritance mode, an automated score was calculated to assess if this variant is too frequent to cause the disease. Based on the score and internal cut-off values, a variant classified as benign is not then subjected to further curation. The score for this variant resulted in a classification of benign for this disease.

GeneDx
Classification: Benign. Last evaluated: 2015-03-03. Review status: criteria provided, single submitter. Criteria: GeneDx Variant Classification Process June 2021. Collection method: clinical testing. Allele origin: germline. Affected: yes.

Breakthrough Genomics
Classification: Benign. Review status: criteria provided, single submitter. Criteria: ACMG Guidelines, 2015. Collection method: not provided. Allele origin: germline. Inheritance: Autosomal recessive inheritance. Affected: yes.

PreventionGenetics, part of Exact Sciences
Classification: Benign. Review status: criteria provided, single submitter. Criteria: ACMG Guidelines, 2015. Collection method: clinical testing. Allele origin: germline.

Genetic Services Laboratory, University of Chicago
Classification: Likely benign for AllHighlyPenetrant. Review status: no assertion criteria provided. Collection method: clinical testing. Allele origin: germline. Inheritance: Autosomal recessive inheritance. Not counted in ClinVar's aggregate classification.
Comment: Likely benign based on allele frequency in 1000 Genomes Project or ESP global frequency and its presence in a patient with a rare or unrelated disease phenotype. NOT Sanger confirmed.

NM_004525.3(LRP2):c.775G>C (p.Gly259Arg)

Gene: LRP2 (LDL receptor related protein 2; minus strand). Cytogenetic location: 2q31.1.
Variant type: single nucleotide variant.
Coding change: c.775G>C on transcript NM_004525.3 (MANE Select); coding-DNA position 775, G replaced by C.
Protein change: p.Gly259Arg; replaces glycine 259 with arginine.
Molecular consequence: missense variant.
Genome position (GRCh38, 1-based): chr2:169,290,992, C>G on the plus strand (G>C on the coding strand, the complement: LRP2 is on the minus strand). VCF-style: chr2-169290992-C-G. GRCh37 (hg19) VCF-style: chr2-170147502-C-G.
Other names: short protein forms G259R.
Identifiers: ClinVar variation 129539 (VCV000129539.22), dbSNP rs34693334, ClinGen allele CA153611.